The following is an entry in ClinVar:

ClinVar aggregate classification (germline): Uncertain significance (1 of 4 stars; one submission).

gnomAD v4.1: 14 of 1,614,100 alleles (0.00087%); highest among the groups gnomAD compares: South Asian, 0.0066%; no homozygotes.

Submission:

Labcorp Genetics (formerly Invitae), Labcorp
Classification: Uncertain significance. Last evaluated: 2025-08-19. Review status: criteria provided, single submitter. Criteria: Invitae Variant Classification Sherloc (09022015). Collection method: clinical testing. Allele origin: germline.
Comment: This sequence change replaces glycine, which is neutral and non-polar, with arginine, which is basic and polar, at codon 660 of the TRPV6 protein (p.Gly660Arg). This variant is present in population databases (rs780306040, gnomAD 0.005%). This missense change has been observed in individual(s) with chronic pancreatitis and/or neonatal severe hyperparathyroidism (PMID: 30144375, 34538581). In at least one individual the data is consistent with being in trans (on the opposite chromosome) from a pathogenic variant. ClinVar contains an entry for this variant (Variation ID: 3707841). Algorithms developed to predict the effect of variants on gene product structure and function are not available or were not evaluated for this variant. Experimental studies have shown that this missense change does not substantially affect TRPV6 function (PMID: 34884497). In summary, the available evidence is currently insufficient to determine the role of this variant in disease. Therefore, it has been classified as a Variant of Uncertain Significance.

Literature cited by the submitters: PubMed 30144375; PubMed 34538581; PubMed 34884497.

NM_018646.6(TRPV6):c.1978G>A (p.Gly660Arg)

Gene: TRPV6 (transient receptor potential cation channel subfamily V member 6; minus strand). Cytogenetic location: 7q34.
Variant type: single nucleotide variant.
Coding change: c.1978G>A on transcript NM_018646.6 (MANE Select); coding-DNA position 1978, G replaced by A.
Protein change: p.Gly660Arg; replaces glycine 660 with arginine.
Molecular consequence: missense variant.
Genome position (GRCh38, 1-based): chr7:142,872,409, C>T on the plus strand (G>A on the coding strand, the complement: TRPV6 is on the minus strand). VCF-style: chr7-142872409-C-T. GRCh37 (hg19) VCF-style: chr7-142570162-C-T.
Other names: short protein forms G660R.
Identifiers: ClinVar variation 3707841 (VCV003707841.2).